The following is an entry in ClinVar:

ClinVar aggregate classification (germline): Uncertain significance (1 of 4 stars; one submission).

Conditions:
Spastic paraplegia. Identifiers: MedGen C0037772, HP:0001258.

Submission:

Labcorp Genetics (formerly Invitae), Labcorp
Classification: Uncertain significance for Spastic paraplegia. Last evaluated: 2022-10-18. Review status: criteria provided, single submitter. Criteria: Invitae Variant Classification Sherloc (09022015). Collection method: clinical testing. Allele origin: unknown.
Comment: In summary, the available evidence is currently insufficient to determine the role of this variant in disease. Therefore, it has been classified as a Variant of Uncertain Significance. This variant has not been reported in the literature in individuals affected with AP4E1-related conditions. This variant results in a copy number gain of the genomic region encompassing exon(s) 1-15 of the AP4E1 gene. This region includes the initiator codon of the gene. This copy number gain extends beyond the assayed region for this gene and therefore may encompass additional genes. As the precise location of this event is unknown, it may be in tandem or it may be located elsewhere in the genome.

NC_000015.9:g.(?_50999997)_(51260594_?)dup

Genes: AP4E1 (adaptor related protein complex 4 subunit epsilon 1; plus strand), SPPL2A (signal peptide peptidase like 2A; minus strand). Cytogenetic location: 15q21.2.
Variant type: Duplication.
Identifiers: ClinVar variation 3243743 (VCV003243743.1).